The following is an entry in ClinVar:

ClinVar aggregate classification (germline): Uncertain significance (1 of 4 stars; one submission).

Submission:

Labcorp Genetics (formerly Invitae), Labcorp
Classification: Uncertain significance. Last evaluated: 2022-08-31. Review status: criteria provided, single submitter. Criteria: Invitae Variant Classification Sherloc (09022015). Collection method: clinical testing. Allele origin: germline.
Comment: This sequence change replaces arginine, which is basic and polar, with lysine, which is basic and polar, at codon 313 of the UNC80 protein (p.Arg313Lys). This variant also falls at the last nucleotide of exon 7, which is part of the consensus splice site for this exon. This variant is not present in population databases (gnomAD no frequency). This variant has not been reported in the literature in individuals affected with UNC80-related conditions. ClinVar contains an entry for this variant (Variation ID: 1389113). Algorithms developed to predict the effect of missense changes on protein structure and function are either unavailable or do not agree on the potential impact of this missense change (SIFT: "Not Available"; PolyPhen-2: "Possibly Damaging"; Align-GVGD: "Not Available"). Variants that disrupt the consensus splice site are a relatively common cause of aberrant splicing (PMID: 17576681, 9536098). Algorithms developed to predict the effect of sequence changes on RNA splicing suggest that this variant may disrupt the consensus splice site. In summary, the available evidence is currently insufficient to determine the role of this variant in disease. Therefore, it has been classified as a Variant of Uncertain Significance.

Literature cited by the submitters: PubMed 17576681; PubMed 9536098.

NM_001371986.1(UNC80):c.938G>A (p.Arg313Lys)

Gene: UNC80 (unc-80 homolog, NALCN channel complex subunit; plus strand). Cytogenetic location: 2q34.
Variant type: single nucleotide variant.
Coding change: c.938G>A on transcript NM_001371986.1 (MANE Select); coding-DNA position 938, G replaced by A.
Protein change: p.Arg313Lys; replaces arginine 313 with lysine.
Molecular consequence: missense variant.
Genome position (GRCh38, 1-based): chr2:209,793,859, G>A. VCF-style: chr2-209793859-G-A. GRCh37 (hg19) VCF-style: chr2-210658583-G-A.
Other names: c.938G>A, p.Arg313Lys (NM_032504.2, NM_182587.4); short protein forms R313K.
Identifiers: ClinVar variation 1389113 (VCV001389113.5), dbSNP rs2153825790, ClinGen allele CA350132649.